The following is an entry in ClinVar:

NM_001035.3(RYR2):c.14309C>T (p.Thr4770Ile)

Gene: RYR2 (ryanodine receptor 2; plus strand). Cytogenetic location: 1q43.
Variant type: single nucleotide variant.
Coding change: c.14309C>T on transcript NM_001035.3 (MANE Select); coding-DNA position 14309, C replaced by T.
Protein change: p.Thr4770Ile; replaces threonine 4770 with isoleucine.
Molecular consequence: missense variant.
Genome position (GRCh38, 1-based): chr1:237,808,911, C>T. VCF-style: chr1-237808911-C-T. GRCh37 (hg19) VCF-style: chr1-237972211-C-T.
Other names: short protein forms T4770I.
Identifiers: ClinVar variation 4800130 (VCV004800130.1).

ClinVar aggregate classification (germline): Pathogenic (1 of 4 stars; one submission).

Conditions:
Catecholaminergic polymorphic ventricular tachycardia 1. Also called: VENTRICULAR TACHYCARDIA, STRESS-INDUCED POLYMORPHIC 1; RYR2-Related Catecholaminergic Polymorphic Ventricular Tachycardia; VENTRICULAR TACHYCARDIA, CATECHOLAMINERGIC POLYMORPHIC, 1, WITH OR WITHOUT ATRIAL DYSFUNCTION AND/OR DILATED CARDIOMYOPATHY. Identifiers: Orphanet 3286, MedGen C1631597, MONDO:0011484, OMIM 604772.

Submission:

Labcorp Genetics (formerly Invitae), Labcorp
Classification: Pathogenic for Catecholaminergic polymorphic ventricular tachycardia 1. Last evaluated: 2025-11-12. Review status: criteria provided, single submitter. Criteria: Invitae Variant Classification Sherloc (09022015). Collection method: clinical testing. Allele origin: germline.
Comment: This sequence change replaces threonine, which is neutral and polar, with isoleucine, which is neutral and non-polar, at codon 4770 of the RYR2 protein (p.Thr4770Ile). This variant is not present in population databases (gnomAD no frequency). This missense change has been observed in individual(s) with catecholaminergic polymorphic ventricular tachycardia (CPVT) (internal data). In at least one individual the variant was observed to be de novo. Invitae Evidence Modeling of protein sequence and biophysical properties (such as structural, functional, and spatial information, amino acid conservation, physicochemical variation, residue mobility, and thermodynamic stability) indicates that this missense variant is expected to disrupt RYR2 protein function with a positive predictive value of 95%. For these reasons, this variant has been classified as Pathogenic.